The following is an entry in ClinVar:

ClinVar aggregate classification (germline): Likely benign (1 of 4 stars; one submission).

Allele frequency attached by ClinVar (database versions not stated): ExAC 0.00012; ESP Exome Variant Server 0.00015; 1000 Genomes Project 30x 0.00016; 1000 Genomes Project 0.00020; gnomAD 0.00031.
gnomAD v4.1: 159 of 1,613,950 alleles (0.0099%); highest among the groups gnomAD compares: African/African-American, 0.13%; no homozygotes.

Submission:

CeGaT Center for Human Genetics Tuebingen
Classification: Likely benign. Last evaluated: 2022-04-01. Review status: criteria provided, single submitter. Criteria: CeGaT Center For Human Genetics Tuebingen Variant Classification Criteria Version 2. Collection method: clinical testing. Allele origin: germline. Affected: yes. Observed: 1 variant allele.
Comment: CNTN3: BP4, BP7

NM_020872.3(CNTN3):c.1971G>A (p.Thr657=)

Gene: CNTN3 (contactin 3; minus strand). Cytogenetic location: 3p12.3.
Variant type: single nucleotide variant.
Coding change: c.1971G>A on transcript NM_020872.3 (MANE Select); coding-DNA position 1971, G replaced by A.
Protein change: p.Thr657=; no amino-acid change (threonine 657 retained).
Molecular consequence: synonymous variant.
Genome position (GRCh38, 1-based): chr3:74,301,522, C>T on the plus strand (G>A on the coding strand, the complement: CNTN3 is on the minus strand). VCF-style: chr3-74301522-C-T. GRCh37 (hg19) VCF-style: chr3-74350673-C-T.
Other names: c.1971G>A, p.Thr657= (NM_001393376.1).
Identifiers: ClinVar variation 2653971 (VCV002653971.24), dbSNP rs111626135, ClinGen allele CA2495069.